The following is an entry in ClinVar:

NM_005154.5(USP8):c.952_955dup (p.Pro319fs)

Gene: USP8 (ubiquitin specific peptidase 8; plus strand). Cytogenetic location: 15q21.2.
Variant type: Duplication.
Coding change: c.952_955dup on transcript NM_005154.5 (MANE Select); coding-DNA positions 952 to 955, 4 bases duplicated (ACTC; older notation c.952_955dupACTC).
Protein change: p.Pro319fs; shifts the reading frame from proline 319.
Molecular consequence: frameshift variant.
Genome position (GRCh38, 1-based): chr15:50,476,951-50,476,954, ACTC duplicated; duplicating any 4 consecutive bases within chr15:50,476,949-50,476,954 gives the same sequence; the c. name uses the placement nearest the transcript's 3' end. VCF-style (leftmost placement, unchanged base first): chr15-50476948-G-GTCAC. GRCh37 (hg19) VCF-style: chr15-50769145-G-GTCAC.
Other names: c.952_955dup, p.Pro319fs (NM_001128610.3); c.721_724dup, p.Pro242fs (NM_001283049.2); short protein forms P242fs, P319fs.
Identifiers: ClinVar variation 2031312 (VCV002031312.4), dbSNP rs2541953729, ClinGen allele CA2580089717.

ClinVar aggregate classification (germline): Uncertain significance (1 of 4 stars; one submission).

Conditions:
Hereditary spastic paraplegia. Also called: Familial spastic paraparesis. Identifiers: Orphanet 685, MedGen C0037773, MONDO:0019064. Disease mechanism: loss of function.

Submission:

Labcorp Genetics (formerly Invitae), Labcorp
Classification: Uncertain significance for Hereditary spastic paraplegia. Last evaluated: 2022-09-20. Review status: criteria provided, single submitter. Criteria: Invitae Variant Classification Sherloc (09022015). Collection method: clinical testing. Allele origin: germline.
Comment: This variant is not present in population databases (gnomAD no frequency). This sequence change creates a premature translational stop signal (p.Pro319Hisfs*9) in the USP8 gene. It is expected to result in an absent or disrupted protein product. However, the current clinical and genetic evidence is not sufficient to establish whether loss-of-function variants in USP8 cause disease. In summary, the available evidence is currently insufficient to determine the role of this variant in disease. Therefore, it has been classified as a Variant of Uncertain Significance. This variant has not been reported in the literature in individuals affected with USP8-related conditions.